The following is an entry in ClinVar:

ClinVar aggregate classification (germline): Likely benign (1 of 4 stars; one submission).

Submission:

CeGaT Center for Human Genetics Tuebingen
Classification: Likely benign. Last evaluated: 2023-01-01. Review status: criteria provided, single submitter. Criteria: CeGaT Center For Human Genetics Tuebingen Variant Classification Criteria Version 2. Collection method: clinical testing. Allele origin: germline. Affected: yes. Observed: 1 variant allele.
Comment: NDUFV1: PM2:Supporting, BP4, BP7

NM_007103.4(NDUFV1):c.939C>T (p.Asn313=)

Gene: NDUFV1 (NADH:ubiquinone oxidoreductase core subunit V1; plus strand). Cytogenetic location: 11q13.2.
Variant type: single nucleotide variant.
Coding change: c.939C>T on transcript NM_007103.4 (MANE Select); coding-DNA position 939, C replaced by T.
Protein change: p.Asn313=; no amino-acid change (asparagine 313 retained).
Molecular consequence: synonymous variant.
Genome position (GRCh38, 1-based): chr11:67,611,428, C>T. VCF-style: chr11-67611428-C-T. GRCh37 (hg19) VCF-style: chr11-67378899-C-T.
Other names: c.912C>T, p.Asn304= (NM_001166102.2).
Identifiers: ClinVar variation 2498519 (VCV002498519.28), dbSNP rs2495723818, ClinGen allele CA475416747.
Genomic context (GRCh38, chr11:67,611,428, plus strand): 5'-CATGCATCCCTTTGGGGACCGACTTGGGGCCCCAGGGGGTGTCACGGGCGGCTGGGACAA[C>T]CTCCTTGCTGTGATCCCTGGCGGCTCGTCTACCCCACTGATCCCCAAGTCTGTGTGTGAG-3'
Protein context (NP_009034.2, residues 303-323): HAGGVTGGWD[Asn313=]LLAVIPGGSS